The following is an entry in ClinVar:

ClinVar aggregate classification (germline): Uncertain significance (1 of 4 stars; one submission).

Submission:

Labcorp Genetics (formerly Invitae), Labcorp
Classification: Uncertain significance. Last evaluated: 2024-11-17. Review status: criteria provided, single submitter. Criteria: Invitae Variant Classification Sherloc (09022015). Collection method: clinical testing. Allele origin: germline.
Comment: This sequence change replaces glutamine, which is neutral and polar, with arginine, which is basic and polar, at codon 211 of the EMC1 protein (p.Gln211Arg). This variant is not present in population databases (gnomAD no frequency). This variant has not been reported in the literature in individuals affected with EMC1-related conditions. Invitae Evidence Modeling of protein sequence and biophysical properties (such as structural, functional, and spatial information, amino acid conservation, physicochemical variation, residue mobility, and thermodynamic stability) indicates that this missense variant is not expected to disrupt EMC1 protein function with a negative predictive value of 80%. In summary, the available evidence is currently insufficient to determine the role of this variant in disease. Therefore, it has been classified as a Variant of Uncertain Significance.

NM_015047.3(EMC1):c.632A>G (p.Gln211Arg)

Gene: EMC1 (ER membrane protein complex subunit 1; minus strand). Cytogenetic location: 1p36.13.
Variant type: single nucleotide variant.
Coding change: c.632A>G on transcript NM_015047.3 (MANE Select); coding-DNA position 632, A replaced by G.
Protein change: p.Gln211Arg; replaces glutamine 211 with arginine.
Molecular consequence: missense variant.
Genome position (GRCh38, 1-based): chr1:19,241,020, T>C on the plus strand (A>G on the coding strand, the complement: EMC1 is on the minus strand). VCF-style: chr1-19241020-T-C. GRCh37 (hg19) VCF-style: chr1-19567514-T-C.
Other names: c.566A>G, p.Gln189Arg (NM_001271429.2); c.632A>G, p.Gln211Arg (NM_001375820.1, NM_001375821.1, NM_001271427.2 and 1 more transcripts); short protein forms Q189R, Q211R.
Identifiers: ClinVar variation 3664213 (VCV003664213.2).